The following is an entry in ClinVar:

ClinVar aggregate classification (germline): Pathogenic. Review status: reviewed by expert panel (3 of 4 stars). 12 submissions from 11 submitters: Pathogenic (1). 11 of the submissions do not count toward it. Last evaluated 2016-09-08.

Conditions:
Hereditary breast ovarian cancer syndrome. Also called: Hereditary breast and ovarian cancer syndrome; Hereditary breast and ovarian cancer; Hereditary breast and ovarian cancer syndrome (HBOC); Breast and ovarian cancer; Hereditary breast and/or ovarian cancer syndrome; BRCA1- and BRCA2-Associated Hereditary Breast and Ovarian Cancer. Identifiers: Orphanet 145, MedGen C0677776, MeSH D061325, MONDO:0003582. Disease mechanism: loss of function.
Hereditary cancer-predisposing syndrome. Also called: Neoplastic Syndromes, Hereditary; Tumor predisposition; Hereditary neoplastic syndrome; Hereditary Cancer Syndrome. Identifiers: Orphanet 140162, MedGen C0027672, MeSH D009386, MONDO:0015356.
Familial cancer of breast. Also called: BREAST CANCER, FAMILIAL; Hereditary breast cancer; hereditary breast carcinoma. Identifiers: Orphanet 227535, MedGen C0346153, MONDO:0016419, OMIM 114480. Disease mechanism: loss of function.
Breast-ovarian cancer, familial, susceptibility to, 2 (BROVCA2). Also called: BRCA2 Hereditary Breast and Ovarian Cancer. Identifiers: Orphanet 145, MedGen C2675520, MONDO:0012933, OMIM 612555. Disease mechanism: loss of function.

Submissions (12):

Evidence-based Network for the Interpretation of Germline Mutant Alleles (ENIGMA)
Classification: Pathogenic for Breast-ovarian cancer, familial, susceptibility to, 2. Last evaluated: 2016-09-08. Review status: reviewed by expert panel. Criteria: ENIGMA BRCA1/2 Classification Criteria (2015). Collection method: curation. Allele origin: germline.
Comment: Variant allele predicted to encode a truncated non-functional protein.

Labcorp Genetics (formerly Invitae), Labcorp
Classification: Pathogenic for Hereditary breast ovarian cancer syndrome. Last evaluated: 2025-12-03. Review status: criteria provided, single submitter. Criteria: Invitae Variant Classification Sherloc (09022015). Collection method: clinical testing. Allele origin: germline. Not counted in ClinVar's aggregate classification.
Comment: This sequence change creates a premature translational stop signal (p.Val1862Serfs*11) in the BRCA2 gene. It is expected to result in an absent or disrupted protein product. Loss-of-function variants in BRCA2 are known to be pathogenic (PMID: 20104584). This variant is not present in population databases (gnomAD no frequency). This premature translational stop signal has been observed in individual(s) with breast cancer (PMID: 22762150). This variant is also known as c.5582dup. ClinVar contains an entry for this variant (Variation ID: 51884). For these reasons, this variant has been classified as Pathogenic.

All of Us Research Program, National Institutes of Health
Classification: Pathogenic for Breast-ovarian cancer, familial, susceptibility to, 2. Last evaluated: 2024-01-08. Review status: criteria provided, single submitter. Criteria: ACMG Guidelines, 2015. Collection method: clinical testing. Allele origin: germline. Inheritance: Autosomal dominant inheritance. Observed: 1 variant allele, 1 heterozygote. Not counted in ClinVar's aggregate classification.
Comment: This variant inserts 1 nucleotide in exon 11 of the BRCA2 gene, creating a frameshift and premature translation stop signal. This variant is expected to result in an absent or non-functional protein product. This variant is also known as c.5582dup, c.5583_5584insA, c.5579_5580insA, and 5811dupA in the literature. This variant has been reported in individuals and families affected with breast and/or ovarian cancer (PMID 18783588, 20858050, 21391735, 22762150, 29446198). This variant has not been identified in the general population by the Genome Aggregation Database (gnomAD). Loss of BRCA2 function is a known mechanism of disease. Based on the available evidence, this variant is classified as Pathogenic.

This study involves interpretation of variants in research participants for the purpose of population health screening. Participant phenotype was not available at the time of variant classification. Additional details can be found in publication PMID: 35346344, PMCID: PMC8962531

Color Diagnostics, LLC DBA Color Health
Classification: Pathogenic for Hereditary cancer-predisposing syndrome. Last evaluated: 2023-11-15. Review status: criteria provided, single submitter. Criteria: ACMG Guidelines, 2015. Collection method: clinical testing. Allele origin: germline. Not counted in ClinVar's aggregate classification.
Comment: This variant inserts 1 nucleotide in exon 11 of the BRCA2 gene, creating a frameshift and premature translation stop signal. This variant is expected to result in an absent or non-functional protein product. This variant has been reported in individuals with a personal or family history of breast or ovarian cancer (PMID: 22762150, 29446198). This variant has not been identified in the general population by the Genome Aggregation Database (gnomAD). Loss of BRCA2 function is a known mechanism of disease. Based on the available evidence, this variant is classified as Pathogenic.

GeneDx
Classification: Pathogenic. Last evaluated: 2023-09-10. Review status: criteria provided, single submitter. Criteria: GeneDx Variant Classification Process June 2021. Collection method: clinical testing. Allele origin: germline. Affected: yes. Not counted in ClinVar's aggregate classification.
Comment: Frameshift variant predicted to result in protein truncation or nonsense mediated decay in a gene for which loss-of-function is a known mechanism of disease; Not observed at significant frequency in large population cohorts (gnomAD); Truncating variants in this gene are considered pathogenic by a well-established clinical consortium and/or database; Also known as 5811dup or c.5583_5584insA or 5579insA; This variant is associated with the following publications: (PMID: 20858050, 29446198, 21391735, 22762150, 34296289, 20104584, 34326862, 18783588)

Baylor Genetics
Classification: Pathogenic for Familial cancer of breast. Last evaluated: 2023-05-05. Review status: criteria provided, single submitter. Criteria: ACMG Guidelines, 2015. Collection method: clinical testing. Allele origin: unknown. Not counted in ClinVar's aggregate classification.

Ambry Genetics
Classification: Pathogenic for Hereditary cancer-predisposing syndrome. Last evaluated: 2023-03-20. Review status: criteria provided, single submitter. Criteria: Ambry Variant Classification Scheme 2023. Collection method: clinical testing. Allele origin: germline. Not counted in ClinVar's aggregate classification.
Comment: The c.5583dupA pathogenic mutation, located in coding exon 10 of the BRCA2 gene, results from a duplication of A at nucleotide position 5583, causing a translational frameshift with a predicted alternate stop codon (p.V1862Sfs*11). In addition to the clinical data presented in the literature, this alteration is expected to result in loss of function by premature protein truncation or nonsense-mediated mRNA decay. As such, this alteration is interpreted as a disease-causing mutation.

Quest Diagnostics Nichols Institute San Juan Capistrano
Classification: Pathogenic. Last evaluated: 2021-03-05. Review status: criteria provided, single submitter. Criteria: Quest Diagnostics criteria. Collection method: clinical testing. Allele origin: unknown. Not counted in ClinVar's aggregate classification.
Comment: This frameshift variant causes the premature termination of BRCA2 protein synthesis. In the published literature, this variant has been reported in a cohort of families affected with breast cancer and known to have a deleterious mutation in the BRCA1 or BRCA2 gene (PMID: 22762150 (2012)). This variant has not been reported in large, multi-ethnic general populations. Based on the available information, this variant is classified as pathogenic.

Consortium of Investigators of Modifiers of BRCA1/2 (CIMBA), c/o University of Cambridge
Classification: Pathogenic for Breast-ovarian cancer, familial, susceptibility to, 2. Last evaluated: 2015-10-02. Review status: criteria provided, single submitter. Criteria: CIMBA Mutation Classification guidelines May 2016. Collection method: clinical testing. Allele origin: germline. Not counted in ClinVar's aggregate classification.

Neuberg Centre For Genomic Medicine, NCGM
Classification: Pathogenic for Familial cancer of breast. Review status: criteria provided, single submitter. Criteria: ACMG Guidelines, 2015. Collection method: clinical testing. Allele origin: germline. Inheritance: Autosomal dominant inheritance. Affected: yes. Not counted in ClinVar's aggregate classification.
Comment: This particular truncation has been reported in the literature in an individual from a family affected with breast cancer (Lecarpentier J et al). This sequence change inserts 1 nucleotide in exon 11 of the BRCA2 mRNA (c.5583dupA), causing a frameshift at codon 1862. This creates a premature translational stop signal (p.Val1862Serfs*11) and is expected to result in an absent or disrupted protein product. Truncating variants in BRCA2 are known to be pathogenic. This variant has been reported to the ClinVar database as Pathogenic with a status of reviewed by expert panel. The p.Val1862SerfsTer11 variant is novel (not in any individuals) in gnomAD Exomes and 1000 Genomes. For these reasons, this variant has been classified as pathogenic.

Neuberg Centre For Genomic Medicine, NCGM
Classification: Pathogenic for Breast-ovarian cancer, familial, susceptibility to, 2. Review status: criteria provided, single submitter. Criteria: ACMG Guidelines, 2015. Collection method: clinical testing. Allele origin: germline. Inheritance: Autosomal dominant inheritance. Affected: yes. Not counted in ClinVar's aggregate classification.
Comment: The frameshift duplication p.V1862Sfs*11 in BRCA2 (NM_000059.4) has been reported previously in an individual from a family affected with breast cancer (Lecarpentier et al, 2012). The p.V1862Sfs*11 variant is novel (not in any individuals) in gnomAD Exomes and is novel (not in any individuals) in 1000 Genomes. This variant is predicted to cause loss of normal protein function through protein truncation. Loss of function variants have been previously reported to be disease causing. The frame shifted sequence continues 11 residues until a stop codon is reached. For these reasons, this variant has been classified as Pathogenic

Counsyl
Classification: Pathogenic for Breast-ovarian cancer, familial, susceptibility to, 2. Last evaluated: 2016-11-09. Review status: no assertion criteria provided. Collection method: clinical testing. Allele origin: unknown. Not counted in ClinVar's aggregate classification.

Literature cited by the submitters: PubMed 20104584 (cited by Labcorp Genetics (formerly Invitae), Labcorp); PubMed 22762150 (cited by 5 submitters); PubMed 29446198 (cited by 3 submitters).

NM_000059.4(BRCA2):c.5583dup (p.Val1862fs)

Gene: BRCA2 (BRCA2 DNA repair associated; plus strand). Cytogenetic location: 13q13.1.
Variant type: Duplication.
Coding change: c.5583dup on transcript NM_000059.4 (MANE Select); coding-DNA position 5583, one base duplicated (A; older notation c.5583dupA).
Protein change: p.Val1862fs; shifts the reading frame from valine 1862.
Molecular consequence: frameshift variant.
Genome position (GRCh38, 1-based): chr13:32,339,938, A duplicated; the last of 6 consecutive A bases (chr13:32,339,933-32,339,938); duplicating any one gives the same sequence. VCF-style (leftmost placement, unchanged base first): chr13-32339932-T-TA. GRCh37 (hg19) VCF-style: chr13-32914069-T-TA.
Other names: c.5583dupA (NM_000059.3); short protein forms V1862fs.
Identifiers: ClinVar variation 51884 (VCV000051884.30), dbSNP rs397507790, ClinGen allele CA022630.
Genomic context (GRCh38, chr13:32,339,932, plus strand): 5'-AGGGCCACCTGCATTTAGGATAGCCAGTGGTAAAATCGTTTGTGTTTCACATGAAACAAT[T>TA]AAAAAAGTGAAAGACATATTTACAGACAGTTTCAGTAAAGTAATTAAGGAAAACAACGAG-3'